The following is an entry in ClinVar:

ClinVar aggregate classification (germline): Conflicting classifications of pathogenicity. Review status: criteria provided, conflicting classifications (1 of 4 stars). 2 submissions from 2 submitters: Uncertain significance (1); Likely benign (1). Last evaluated 2026-05-11.

gnomAD v4.1: 15 of 1,613,974 alleles (0.00093%); highest among the groups gnomAD compares: African/African-American, 0.0027%; no homozygotes.

Submissions (2):

Women's Health and Genetics/Laboratory Corporation of America, LabCorp
Classification: Uncertain significance. Last evaluated: 2026-05-11. Review status: criteria provided, single submitter. Criteria: LabCorp Variant Classification Summary - May 2015. Collection method: clinical testing. Allele origin: germline.
Comment: Variant summary: CTDP1 c.689A>G (p.Lys230Arg) results in a conservative amino acid change in the encoded protein sequence. Algorithms developed to predict the effect of missense changes on protein structure and function are either unavailable or do not agree on the potential impact of this missense change. The variant allele was found at a frequency of 1.2e-05 in 251230 control chromosomes. The available data on variant occurrences in the general population are insufficient to allow any conclusion about variant significance. To our knowledge, no occurrence of c.689A>G in individuals affected with CTDP1-related conditions and no experimental evidence demonstrating its impact on protein function have been reported. ClinVar contains an entry for this variant (Variation ID: 3270036). Based on the evidence outlined above, the variant was classified as uncertain significance.

Ambry Genetics
Classification: Likely benign. Last evaluated: 2024-06-03. Review status: criteria provided, single submitter. Criteria: Ambry Variant Classification Scheme 2023. Collection method: clinical testing. Allele origin: germline.

NM_004715.5(CTDP1):c.689A>G (p.Lys230Arg)

Gene: CTDP1 (CTD phosphatase subunit 1; plus strand). Cytogenetic location: 18q23.
Variant type: single nucleotide variant.
Coding change: c.689A>G on transcript NM_004715.5 (MANE Select); coding-DNA position 689, A replaced by G.
Protein change: p.Lys230Arg; replaces lysine 230 with arginine.
Molecular consequence: missense variant.
Genome position (GRCh38, 1-based): chr18:79,704,834, A>G. VCF-style: chr18-79704834-A-G. GRCh37 (hg19) VCF-style: chr18-77464834-A-G.
Other names: c.332A>G, p.Lys111Arg (NM_001202504.1); c.689A>G, p.Lys230Arg (NM_001318511.2, NM_048368.4); short protein forms K111R, K230R.
Identifiers: ClinVar variation 3270036 (VCV003270036.2).